The following is an entry in ClinVar:

NM_001267550.2(TTN):c.38001G>A (p.Ser12667=)

Gene: TTN (titin; minus strand). Cytogenetic location: 2q31.2.
Variant type: single nucleotide variant.
Coding change: c.38001G>A on transcript NM_001267550.2 (MANE Select); coding-DNA position 38001, G replaced by A.
Protein change: p.Ser12667=; no amino-acid change (serine 12667 retained).
Molecular consequence: synonymous variant. On other transcripts: intron variant (5).
Genome position (GRCh38, 1-based): chr2:178,657,535, C>T on the plus strand (G>A on the coding strand, the complement: TTN is on the minus strand). VCF-style: chr2-178657535-C-T. GRCh37 (hg19) VCF-style: chr2-179522262-C-T.
Other names: c.38001G>A (NM_001267550.1); c.13283-15218G>A (NM_003319.4); c.13859-15218G>A (NM_133437.4); c.13658-15218G>A (NM_133432.3); c.31741+1470G>A (NM_133378.4); c.34522+1470G>A (NM_001256850.1).
Identifiers: ClinVar variation 535654 (VCV000535654.43), dbSNP rs201179474, ClinGen allele CA1997205.

ClinVar aggregate classification (germline): Likely benign. Review status: criteria provided, multiple submitters, no conflicts (2 of 4 stars). 3 submissions from 3 submitters: Likely benign (3). Last evaluated 2026-01-01.

Conditions:
Dilated cardiomyopathy 1G (CMD1G). Identifiers: Orphanet 154, MedGen C1858763, MONDO:0011400, OMIM 604145.
Autosomal recessive limb-girdle muscular dystrophy type 2J (LGMDR10). Also called: Limb-girdle muscular dystrophy, type 2J; MUSCULAR DYSTROPHY, LIMB-GIRDLE, AUTOSOMAL RECESSIVE 10. Identifiers: Orphanet 140922, MedGen C1837342, MONDO:0012127, OMIM 608807.

Allele frequency attached by ClinVar (database versions not stated): ExAC 0.00013; gnomAD exomes 0.00015 and 0.00027; gnomAD 0.00020; 1000 Genomes Project 30x 0.00031.

Submissions (3):

CeGaT Center for Human Genetics Tuebingen
Classification: Likely benign. Last evaluated: 2026-01-01. Review status: criteria provided, single submitter. Criteria: CeGaT Center For Human Genetics Tuebingen Variant Classification Criteria Version 2. Collection method: clinical testing. Allele origin: germline. Affected: yes. Observed: 2 variant alleles.
Comment: TTN: BP4, BP7

Labcorp Genetics (formerly Invitae), Labcorp
Classification: Likely benign for Dilated cardiomyopathy 1G; Autosomal recessive limb-girdle muscular dystrophy type 2J. Last evaluated: 2025-10-02. Review status: criteria provided, single submitter. Criteria: Invitae Variant Classification Sherloc (09022015). Collection method: clinical testing. Allele origin: germline.

Athena Diagnostics
Classification: Likely benign. Last evaluated: 2025-06-02. Review status: criteria provided, single submitter. Criteria: Athena Diagnostics Criteria. Collection method: clinical testing. Allele origin: unknown.
Comment: Computational tools yielded predictions that this variant is unlikely to have an effect on normal RNA splicing. This nucleotide position exhibits low evolutionary conservation.

Literature cited by the submitters: PubMed 32827758 (cited by Athena Diagnostics).